The following is an entry in ClinVar:

NM_138694.4(PKHD1):c.1119-9A>G

Gene: PKHD1 (PKHD1 ciliary IPT domain containing fibrocystin/polyductin; minus strand). Cytogenetic location: 6p12.2.
Variant type: single nucleotide variant.
Coding change: c.1119-9A>G on transcript NM_138694.4 (MANE Select); 9 bases into the intron before coding-DNA position 1119, A replaced by G.
Molecular consequence: intron variant.
Genome position (GRCh38, 1-based): chr6:52,060,051, T>C on the plus strand (A>G on the coding strand, the complement: PKHD1 is on the minus strand). VCF-style: chr6-52060051-T-C. GRCh37 (hg19) VCF-style: chr6-51924849-T-C.
Other names: c.1119-9A>G (NM_170724.3, NM_138694.3).
Identifiers: ClinVar variation 1091560 (VCV001091560.11), dbSNP rs1190120876, ClinGen allele CA567295366.

ClinVar aggregate classification (germline): Likely benign. Review status: criteria provided, single submitter (1 of 4 stars). 2 submissions from 2 submitters: Likely benign (1). 1 of the submissions does not count toward it. Last evaluated 2022-09-19.

Conditions:
PKHD1-related disorder. Also called: PKHD1-related condition.
Autosomal recessive polycystic kidney disease (ARPKD). Also called: AR polycystic kidney disease. Identifiers: Orphanet 731, Orphanet 8378, MedGen C0085548, MeSH D017044, MONDO:0009889.

Allele frequency attached by ClinVar (database versions not stated): gnomAD exomes below 0.00001.
gnomAD v4.1: 3 of 1,497,392 alleles (0.0002%); highest among the groups gnomAD compares: South Asian, 0.0011%; no homozygotes.

Submissions (2):

Labcorp Genetics (formerly Invitae), Labcorp
Classification: Likely benign for Autosomal recessive polycystic kidney disease. Last evaluated: 2022-09-19. Review status: criteria provided, single submitter. Criteria: Invitae Variant Classification Sherloc (09022015). Collection method: clinical testing. Allele origin: germline.

PreventionGenetics, part of Exact Sciences
Classification: Likely benign for PKHD1-related condition. Last evaluated: 2021-05-21. Review status: no assertion criteria provided. Collection method: clinical testing. Allele origin: germline. Not counted in ClinVar's aggregate classification.
Comment: This variant is classified as likely benign based on ACMG/AMP sequence variant interpretation guidelines (Richards et al. 2015 PMID: 25741868, with internal and published modifications).